The following is an entry in ClinVar:

NM_017934.7(PHIP):c.4487G>A (p.Gly1496Asp)

Genes: IRAK1BP1 (interleukin 1 receptor associated kinase 1 binding protein 1; plus strand), PHIP (PHIP subunit of CUL4-Ring ligase complex; minus strand). Cytogenetic location: 6q14.1.
Variant type: single nucleotide variant.
Coding change: c.4487G>A on transcript NM_017934.7 (MANE Select); coding-DNA position 4487, G replaced by A.
Protein change: p.Gly1496Asp; replaces glycine 1496 with aspartic acid.
Molecular consequence: missense variant.
Genome position (GRCh38, 1-based): chr6:78,946,144, C>T on the plus strand (G>A on the coding strand, the complement: PHIP is on the minus strand). VCF-style: chr6-78946144-C-T. GRCh37 (hg19) VCF-style: chr6-79655861-C-T.
Other names: short protein forms G1496D.
Identifiers: ClinVar variation 4992561 (VCV004992561.1).
Genomic context (GRCh38, chr6:78,946,144, plus strand): 5'-ACTGGATCTACAACCACTCGGTTGCTTCTGGTTCGAACCACAGAACTAGATTCTGTTTTA[C>T]CGTTTATCTGAGCAGCATTGTGTCTTGGCGGTATTGATCGTGTAGGTGTAGAGAATGCAG-3'
Protein context (NP_060404.4, residues 1486-1506): PPRHNAAQIN[Gly1496Asp]KTESSSVVRT

ClinVar aggregate classification (germline): Uncertain significance (1 of 4 stars; one submission).

Conditions:
PHIP-related disorder. Also called: PHIP-related disorders; PHIP-related condition.

Submission:

PreventionGenetics, part of Exact Sciences
Classification: Uncertain significance for PHIP-related condition. Last evaluated: 2026-02-02. Review status: criteria provided, single submitter. Criteria: ACMG Guidelines, 2015. Collection method: clinical testing. Allele origin: germline.
Comment: The PHIP c.4487G>A variant is predicted to result in the amino acid substitution p.Gly1496Asp. To our knowledge, this variant has not been reported in the literature or in a large population database (gnomAD), indicating this variant is rare. At this time, the clinical significance of this variant is uncertain due to the absence of conclusive functional and genetic evidence.